The following is an entry in ClinVar:

ClinVar aggregate classification (germline): Uncertain significance. Review status: criteria provided, multiple submitters, no conflicts (2 of 4 stars). 2 submissions from 2 submitters: Uncertain significance (2). Last evaluated 2026-06-12.

Conditions:
Genitopatellar syndrome (GTPTS). Also called: ABSENT PATELLAE, SCROTAL HYPOPLASIA, RENAL ANOMALIES, FACIAL DYSMORPHISM, AND MENTAL RETARDATION; Genitopatellar syndrome (GPS). Identifiers: Orphanet 85201, MedGen C1853566, MONDO:0011640, OMIM 606170.
KAT6B-related disorder. Also called: KAT6B-related disorders; KAT6B-related condition.

gnomAD v4.1: 1 of 1,614,054 alleles (0.000062%); highest among the groups gnomAD compares: Admixed American, 0.0017%; no homozygotes.

Submissions (2):

PreventionGenetics, part of Exact Sciences
Classification: Uncertain significance for KAT6B-related condition. Last evaluated: 2026-06-12. Review status: criteria provided, single submitter. Criteria: ACMG Guidelines, 2015. Collection method: clinical testing. Allele origin: germline.
Comment: The KAT6B c.5222G>C variant is predicted to result in the amino acid substitution p.Ser1741Thr. To our knowledge, this variant has not been reported in the literature or in a large population database (gnomAD), indicating this variant is rare. At this time, the clinical significance of this variant is uncertain due to the absence of conclusive functional and genetic evidence.

Labcorp Genetics (formerly Invitae), Labcorp
Classification: Uncertain significance for Genitopatellar syndrome. Last evaluated: 2024-09-09. Review status: criteria provided, single submitter. Criteria: Invitae Variant Classification Sherloc (09022015). Collection method: clinical testing. Allele origin: germline.
Comment: This sequence change replaces serine, which is neutral and polar, with threonine, which is neutral and polar, at codon 1741 of the KAT6B protein (p.Ser1741Thr). This variant is not present in population databases (gnomAD no frequency). This variant has not been reported in the literature in individuals affected with KAT6B-related conditions. An algorithm developed to predict the effect of missense changes on protein structure and function (PolyPhen-2) suggests that this variant is likely to be tolerated. In summary, the available evidence is currently insufficient to determine the role of this variant in disease. Therefore, it has been classified as a Variant of Uncertain Significance.

NM_012330.4(KAT6B):c.5222G>C (p.Ser1741Thr)

Gene: KAT6B (lysine acetyltransferase 6B; plus strand). Cytogenetic location: 10q22.2.
Variant type: single nucleotide variant.
Coding change: c.5222G>C on transcript NM_012330.4 (MANE Select); coding-DNA position 5222, G replaced by C.
Protein change: p.Ser1741Thr; replaces serine 1741 with threonine.
Molecular consequence: missense variant.
Genome position (GRCh38, 1-based): chr10:75,030,046, G>C. VCF-style: chr10-75030046-G-C. GRCh37 (hg19) VCF-style: chr10-76789804-G-C.
Other names: c.4673G>C, p.Ser1558Thr (NM_001256468.2, NM_001370138.1); c.4346G>C, p.Ser1449Thr (NM_001256469.2, NM_001370139.1, NM_001370140.1 and 2 more transcripts); c.4184G>C, p.Ser1395Thr (NM_001370132.1); c.3533G>C, p.Ser1178Thr (NM_001370133.1); c.3137G>C, p.Ser1046Thr (NM_001370134.1); c.2879G>C, p.Ser960Thr (NM_001370135.1); c.5222G>C, p.Ser1741Thr (NM_001370136.1, NM_001370137.1); c.4157G>C, p.Ser1386Thr (NM_001370143.1, NM_001370144.1); and 1 more; short protein forms S1558T, S1178T, S1386T, S1741T, S960T, S1046T, S1449T, S1395T.
Identifiers: ClinVar variation 3708739 (VCV003708739.3).